The following is an entry in ClinVar:

NM_032833.5(PPP1R15B):c.76C>T (p.Pro26Ser)

Gene: PPP1R15B (protein phosphatase 1 regulatory subunit 15B; minus strand). Cytogenetic location: 1q32.1.
Variant type: single nucleotide variant.
Coding change: c.76C>T on transcript NM_032833.5 (MANE Select); coding-DNA position 76, C replaced by T.
Protein change: p.Pro26Ser; replaces proline 26 with serine.
Molecular consequence: missense variant.
Genome position (GRCh38, 1-based): chr1:204,411,336, G>A on the plus strand (C>T on the coding strand, the complement: PPP1R15B is on the minus strand). VCF-style: chr1-204411336-G-A. GRCh37 (hg19) VCF-style: chr1-204380464-G-A.
Other names: short protein forms P26S.
Identifiers: ClinVar variation 733215 (VCV000733215.34), dbSNP rs12094135, ClinGen allele CA1346912.

ClinVar aggregate classification (germline): Likely benign. Review status: criteria provided, multiple submitters, no conflicts (2 of 4 stars). 4 submissions from 4 submitters: Likely benign (3). 1 of the submissions does not count toward it. Last evaluated 2025-12-02.

Conditions:
PPP1R15B-related disorder. Also called: PPP1R15B-related condition.

Allele frequency attached by ClinVar (database versions not stated): gnomAD exomes 0.00047 and 0.00018; ExAC 0.00055; gnomAD 0.00137 and 0.00145; TOPMed 0.00178; ESP Exome Variant Server 0.00192; 1000 Genomes Project 30x 0.00219; 1000 Genomes Project 0.00220.
gnomAD v4.1: 488 of 1,614,112 alleles (0.03%); highest among the groups gnomAD compares: African/African-American, 0.47%; 3 homozygotes.

Submissions (4):

Labcorp Genetics (formerly Invitae), Labcorp
Classification: Likely benign. Last evaluated: 2025-12-02. Review status: criteria provided, single submitter. Criteria: Invitae Variant Classification Sherloc (09022015). Collection method: clinical testing. Allele origin: germline.

CeGaT Center for Human Genetics Tuebingen
Classification: Likely benign. Last evaluated: 2023-05-01. Review status: criteria provided, single submitter. Criteria: CeGaT Center For Human Genetics Tuebingen Variant Classification Criteria Version 2. Collection method: clinical testing. Allele origin: germline. Affected: yes. Observed: 1 variant allele.
Comment: PPP1R15B: BP4, BS2

Breakthrough Genomics
Classification: Likely benign. Review status: criteria provided, single submitter. Criteria: ACMG Guidelines, 2015. Collection method: not provided. Allele origin: germline. Inheritance: Autosomal recessive inheritance. Affected: yes.

PreventionGenetics, part of Exact Sciences
Classification: Likely benign for PPP1R15B-related condition. Last evaluated: 2023-06-23. Review status: no assertion criteria provided. Collection method: clinical testing. Allele origin: germline. Not counted in ClinVar's aggregate classification.
Comment: This variant is classified as likely benign based on ACMG/AMP sequence variant interpretation guidelines (Richards et al. 2015 PMID: 25741868, with internal and published modifications).